The following is an entry in ClinVar:

ClinVar aggregate classification (germline): Uncertain significance. Review status: criteria provided, multiple submitters, no conflicts (2 of 4 stars). 2 submissions from 2 submitters: Uncertain significance (2). Last evaluated 2025-10-07.

Conditions:
Inborn genetic diseases. Identifiers: MedGen C0950123, MeSH D030342.
Fanconi anemia (FA). Also called: Fanconi's anemia. Identifiers: Orphanet 84, MedGen C0015625, MeSH D005199, MONDO:0019391.

Allele frequency attached by ClinVar (database versions not stated): gnomAD exomes 0.00001; TOPMed 0.00001.
gnomAD v4.1: 5 of 1,612,624 alleles (0.00031%); highest among the groups gnomAD compares: Admixed American, 0.0083%; no homozygotes.

Submissions (2):

Ambry Genetics
Classification: Uncertain significance for Inborn genetic diseases. Last evaluated: 2025-10-07. Review status: criteria provided, single submitter. Criteria: Ambry Variant Classification Scheme 2023. Collection method: clinical testing. Allele origin: germline.
Comment: The p.L61W variant (also known as c.182T>G), located in coding exon 2 of the FANCA gene, results from a T to G substitution at nucleotide position 182. The leucine at codon 61 is replaced by tryptophan, an amino acid with similar properties. This amino acid position is conserved. In addition, this alteration is predicted to be tolerated by in silico analysis. Based on the available evidence, the clinical significance of this variant remains unclear.

Labcorp Genetics (formerly Invitae), Labcorp
Classification: Uncertain significance for Fanconi anemia. Last evaluated: 2023-11-20. Review status: criteria provided, single submitter. Criteria: Invitae Variant Classification Sherloc (09022015). Collection method: clinical testing. Allele origin: germline.
Comment: This sequence change replaces leucine, which is neutral and non-polar, with tryptophan, which is neutral and slightly polar, at codon 61 of the FANCA protein (p.Leu61Trp). This variant is present in population databases (no rsID available, gnomAD 0.01%). This variant has not been reported in the literature in individuals affected with FANCA-related conditions. Advanced modeling of protein sequence and biophysical properties (such as structural, functional, and spatial information, amino acid conservation, physicochemical variation, residue mobility, and thermodynamic stability) performed at Invitae indicates that this missense variant is expected to disrupt FANCA protein function with a positive predictive value of 80%. In summary, the available evidence is currently insufficient to determine the role of this variant in disease. Therefore, it has been classified as a Variant of Uncertain Significance.

NM_000135.4(FANCA):c.182T>G (p.Leu61Trp)

Gene: FANCA (FA complementation group A; minus strand). Cytogenetic location: 16q24.3.
Variant type: single nucleotide variant.
Coding change: c.182T>G on transcript NM_000135.4 (MANE Select); coding-DNA position 182, T replaced by G.
Protein change: p.Leu61Trp; replaces leucine 61 with tryptophan.
Molecular consequence: missense variant.
Genome position (GRCh38, 1-based): chr16:89,815,884, A>C on the plus strand (T>G on the coding strand, the complement: FANCA is on the minus strand). VCF-style: chr16-89815884-A-C. GRCh37 (hg19) VCF-style: chr16-89882292-A-C.
Other names: c.182T>G, p.Leu61Trp (NM_001018112.3, NM_001286167.3, NM_001351830.2); short protein forms L61W.
Identifiers: ClinVar variation 2722674 (VCV002722674.4), dbSNP rs1170236785, ClinGen allele CA397483218.